The following is an entry in ClinVar:

NM_017780.4(CHD7):c.7514G>A (p.Gly2505Glu)

Gene: CHD7 (chromodomain helicase DNA binding protein 7; plus strand). Cytogenetic location: 8q12.2.
Variant type: single nucleotide variant.
Coding change: c.7514G>A on transcript NM_017780.4 (MANE Select); coding-DNA position 7514, G replaced by A.
Protein change: p.Gly2505Glu; replaces glycine 2505 with glutamic acid.
Molecular consequence: missense variant. On other transcripts: intron variant (1).
Genome position (GRCh38, 1-based): chr8:60,856,794, G>A. VCF-style: chr8-60856794-G-A. GRCh37 (hg19) VCF-style: chr8-61769353-G-A.
Other names: c.1717-5435G>A (NM_001316690.1); short protein forms G2505E.
Identifiers: ClinVar variation 1759291 (VCV001759291.2), dbSNP rs2129652466, ClinGen allele CA371302145.

ClinVar aggregate classification (germline): Uncertain significance (1 of 4 stars; one submission).

Conditions:
Inborn genetic diseases. Identifiers: MedGen C0950123, MeSH D030342.

Submission:

Ambry Genetics
Classification: Uncertain significance for Inborn genetic diseases. Last evaluated: 2022-06-14. Review status: criteria provided, single submitter. Criteria: Ambry Variant Classification Scheme 2023. Collection method: clinical testing. Allele origin: germline.
Comment: The p.G2505E variant (also known as c.7514G>A), located in coding exon 33 of the CHD7 gene, results from a G to A substitution at nucleotide position 7514. The glycine at codon 2505 is replaced by glutamic acid, an amino acid with similar properties. This amino acid position is conserved. In addition, this alteration is predicted to be tolerated by in silico analysis. Since supporting evidence is limited at this time, the clinical significance of this alteration remains unclear.